The following is an entry in ClinVar:

NM_014244.5(ADAMTS2):c.1061C>T (p.Thr354Met)

Gene: ADAMTS2 (ADAM metallopeptidase with thrombospondin type 1 motif 2; minus strand). Cytogenetic location: 5q35.3.
Variant type: single nucleotide variant.
Coding change: c.1061C>T on transcript NM_014244.5 (MANE Select); coding-DNA position 1061, C replaced by T.
Protein change: p.Thr354Met; replaces threonine 354 with methionine.
Molecular consequence: missense variant.
Genome position (GRCh38, 1-based): chr5:179,158,794, G>A on the plus strand (C>T on the coding strand, the complement: ADAMTS2 is on the minus strand). VCF-style: chr5-179158794-G-A. GRCh37 (hg19) VCF-style: chr5-178585795-G-A.
Other names: c.1061C>T, p.Thr354Met (NM_021599.4); short protein forms T354M.
Identifiers: ClinVar variation 3668508 (VCV003668508.3).

ClinVar aggregate classification (germline): Uncertain significance. Review status: criteria provided, multiple submitters, no conflicts (2 of 4 stars). 2 submissions from 2 submitters: Uncertain significance (2). Last evaluated 2025-04-09.

Conditions:
Ehlers-Danlos syndrome, dermatosparaxis type. Also called: EDS VIIC; Dermatosparaxis; Ehlers-Danlos syndrome, type VII, autosomal recessive. Identifiers: Orphanet 1901, MedGen C2700425, MONDO:0009161, OMIM 225410.

gnomAD v4.1: 45 of 1,614,122 alleles (0.0028%); highest among the groups gnomAD compares: East Asian, 0.011%; no homozygotes.

Submissions (2):

Labcorp Genetics (formerly Invitae), Labcorp
Classification: Uncertain significance for Ehlers-Danlos syndrome, dermatosparaxis type. Last evaluated: 2025-04-09. Review status: criteria provided, single submitter. Criteria: Invitae Variant Classification Sherloc (09022015). Collection method: clinical testing. Allele origin: germline.
Comment: This sequence change replaces threonine, which is neutral and polar, with methionine, which is neutral and non-polar, at codon 354 of the ADAMTS2 protein (p.Thr354Met). This variant is present in population databases (rs771716658, gnomAD 0.01%). This variant has not been reported in the literature in individuals affected with ADAMTS2-related conditions. ClinVar contains an entry for this variant (Variation ID: 3668508). An algorithm developed to predict the effect of missense changes on protein structure and function (PolyPhen-2) suggests that this variant is likely to be disruptive. In summary, the available evidence is currently insufficient to determine the role of this variant in disease. Therefore, it has been classified as a Variant of Uncertain Significance.

Blueprint Genetics
Classification: Uncertain significance. Last evaluated: 2024-11-22. Review status: criteria provided, single submitter. Criteria: ACMG Guidelines, 2015. Collection method: clinical testing. Allele origin: germline.